The following is an entry in ClinVar:

NM_024426.6(WT1):c.409C>G (p.Pro137Ala)

Genes: WT1 (WT1 transcription factor; minus strand), LOC107982234 (WT1/WT1-AS bi-directional promoter region; plus strand). Cytogenetic location: 11p13.
Variant type: single nucleotide variant.
Coding change: c.409C>G on transcript NM_024426.6 (MANE Select); coding-DNA position 409, C replaced by G.
Protein change: p.Pro137Ala; replaces proline 137 with alanine.
Molecular consequence: missense variant. On other transcripts: non-coding transcript variant (1).
Genome position (GRCh38, 1-based): chr11:32,434,952, G>C on the plus strand (C>G on the coding strand, the complement: WT1 is on the minus strand). VCF-style: chr11-32434952-G-C. GRCh37 (hg19) VCF-style: chr11-32456498-G-C.
Other names: c.409C>G, p.Pro137Ala (NM_000378.6, NM_024424.5); short protein forms P137A.
Identifiers: ClinVar variation 836130 (VCV000836130.12), dbSNP rs1853451078, ClinGen allele CA379965745.
Genomic context (GRCh38, chr11:32,434,952, plus strand): 5'-GCGGCTCCGCGCCGCCCCAGCTCGGCTCCTGTTTGATGAAGGAGTGAGGCGGCGGCGGCG[G>C]GGGTGGCGGCGGAGCCGGTGGCGGCGCGGGGCCGCCCAACGACCCGTAAGCCGAAGCGCC-3'
Protein context (NP_077744.4, residues 127-147): PAPPPAPPPP[Pro137Ala]PPPPHSFIKQ

ClinVar aggregate classification (germline): Uncertain significance. Review status: criteria provided, multiple submitters, no conflicts (2 of 4 stars). 4 submissions from 4 submitters: Uncertain significance (4). Last evaluated 2025-08-19.

Conditions:
Wilms tumor 1 (WT1). Also called: Wilms tumor, somatic. Identifiers: Orphanet 654, MedGen CN033288, MONDO:0008679, OMIM 194070.
11p partial monosomy syndrome (WAGR). Also called: WAGR Spectrum Disorder; WAGR syndrome; WAGR Complex; CHROMOSOME 11p13 DELETION SYNDROME. Identifiers: Orphanet 893, MedGen C0206115, MONDO:0008681, OMIM 194072.
Frasier syndrome. Identifiers: Orphanet 347, MedGen C0950122, MeSH D052159, MONDO:0007635, OMIM 136680.
Drash syndrome (DDS). Also called: NEPHROPATHY, WILMS TUMOR, AND GENITAL ANOMALIES; WILMS TUMOR AND PSEUDO- OR TRUE HERMAPHRODITISM. Identifiers: Orphanet 220, MedGen C0950121, MONDO:0008682, OMIM 194080.
Inborn genetic diseases. Identifiers: MedGen C0950123, MeSH D030342.

gnomAD v4.1: 1 of 1,568,136 alleles (0.000064%); no homozygotes.

Submissions (4):

Ambry Genetics
Classification: Uncertain significance for Inborn genetic diseases. Last evaluated: 2025-08-19. Review status: criteria provided, single submitter. Criteria: Ambry Variant Classification Scheme 2023. Collection method: clinical testing. Allele origin: germline.
Comment: The p.P132A variant (also known as c.394C>G), located in coding exon 1 of the WT1 gene, results from a C to G substitution at nucleotide position 394. The proline at codon 132 is replaced by alanine, an amino acid with highly similar properties. This amino acid position is highly conserved in available vertebrate species. In addition, this alteration is predicted to be tolerated by in silico analysis. Based on the available evidence, the clinical significance of this variant remains unclear.

Labcorp Genetics (formerly Invitae), Labcorp
Classification: Uncertain significance for Wilms tumor 1; Drash syndrome; 11p partial monosomy syndrome; Frasier syndrome. Last evaluated: 2024-09-13. Review status: criteria provided, single submitter. Criteria: Invitae Variant Classification Sherloc (09022015). Collection method: clinical testing. Allele origin: germline.
Comment: This sequence change replaces proline, which is neutral and non-polar, with alanine, which is neutral and non-polar, at codon 132 of the WT1 protein (p.Pro132Ala). This variant is not present in population databases (gnomAD no frequency). This variant has not been reported in the literature in individuals affected with WT1-related conditions. ClinVar contains an entry for this variant (Variation ID: 836130). An algorithm developed to predict the effect of missense changes on protein structure and function (PolyPhen-2) suggests that this variant is likely to be tolerated. In summary, the available evidence is currently insufficient to determine the role of this variant in disease. Therefore, it has been classified as a Variant of Uncertain Significance.

All of Us Research Program, National Institutes of Health
Classification: Uncertain significance for Wilms tumor 1. Last evaluated: 2023-08-15. Review status: criteria provided, single submitter. Criteria: ACMG Guidelines, 2015. Collection method: clinical testing. Allele origin: germline. Inheritance: Autosomal dominant inheritance. Observed: 1 variant allele, 1 heterozygote.
Comment: This study involves interpretation of variants in research participants for the purpose of population health screening. Participant phenotype was not available at the time of variant classification. Additional details can be found in publication PMID: 35346344, PMCID: PMC8962531

GeneDx
Classification: Uncertain significance. Last evaluated: 2023-05-18. Review status: criteria provided, single submitter. Criteria: GeneDx Variant Classification Process June 2021. Collection method: clinical testing. Allele origin: germline. Affected: yes.
Comment: Not observed at significant frequency in large population cohorts (gnomAD); In silico analysis supports that this missense variant does not alter protein structure/function; Has not been previously published as pathogenic or benign to our knowledge